The following is an entry in ClinVar:

ClinVar aggregate classification (germline): Conflicting classifications of pathogenicity. Review status: criteria provided, conflicting classifications (1 of 4 stars). 4 submissions from 4 submitters: Uncertain significance (3); Likely benign (1). Last evaluated 2026-09-01.

Conditions:
Saldino-Mainzer syndrome (SRTD9). Also called: SHORT-RIB THORACIC DYSPLASIA 9 WITHOUT POLYDACTYLY; Renal dysplasia, retinal pigmentary dystrophy, cerebellar ataxia and skeletal dysplasia; CONORENAL SYNDROME; short-rib thoracic dysplasia 9 with or without polydactyly. Identifiers: Orphanet 140969, MedGen C1849437, MONDO:0009964, OMIM 266920.
Retinitis pigmentosa 80 (RP80). Identifiers: MedGen C4540439, MONDO:0054708, OMIM 617781.

Allele frequency attached by ClinVar (database versions not stated): ESP Exome Variant Server 0.00015; 1000 Genomes Project 30x 0.00016; TOPMed 0.00018; 1000 Genomes Project 0.00020.

Submissions (4):

CeGaT Center for Human Genetics Tuebingen
Classification: Uncertain significance. Last evaluated: 2026-09-01. Review status: criteria provided, single submitter. Criteria: CeGaT Center For Human Genetics Tuebingen Variant Classification Criteria Version 2. Collection method: clinical testing. Allele origin: germline. Affected: yes. Observed: 1 variant allele.
Comment: IFT140: PM2, BP4

Labcorp Genetics (formerly Invitae), Labcorp
Classification: Likely benign for Saldino-Mainzer syndrome. Last evaluated: 2025-12-09. Review status: criteria provided, single submitter. Criteria: Invitae Variant Classification Sherloc (09022015). Collection method: clinical testing. Allele origin: germline.

Fulgent Genetics
Classification: Uncertain significance for Saldino-Mainzer syndrome; Retinitis pigmentosa 80. Last evaluated: 2021-10-27. Review status: criteria provided, single submitter. Criteria: ACMG Guidelines, 2015. Collection method: clinical testing. Allele origin: unknown.

GeneDx
Classification: Uncertain significance. Last evaluated: 2019-07-03. Review status: criteria provided, single submitter. Criteria: GeneDx Variant Classification Process June 2021. Collection method: clinical testing. Allele origin: germline. Affected: yes.
Comment: In silico analysis, which includes protein predictors and evolutionary conservation, supports that this variant does not alter protein structure/function; Has not been previously published as pathogenic or benign to our knowledge

NM_014714.4(IFT140):c.4159G>A (p.Val1387Met)

Gene: IFT140 (intraflagellar transport 140; minus strand). Cytogenetic location: 16p13.3.
Variant type: single nucleotide variant.
Coding change: c.4159G>A on transcript NM_014714.4 (MANE Select); coding-DNA position 4159, G replaced by A.
Protein change: p.Val1387Met; replaces valine 1387 with methionine.
Molecular consequence: missense variant.
Genome position (GRCh38, 1-based): chr16:1,518,239, C>T on the plus strand (G>A on the coding strand, the complement: IFT140 is on the minus strand). VCF-style: chr16-1518239-C-T. GRCh37 (hg19) VCF-style: chr16-1568240-C-T.
Other names: short protein forms V1387M.
Identifiers: ClinVar variation 963729 (VCV000963729.13), dbSNP rs142668269, ClinGen allele CA7812889.